The following is an entry in ClinVar:

ClinVar aggregate classification (germline): Uncertain significance (1 of 4 stars; one submission).

gnomAD v4.1: 1 of 1,612,904 alleles (0.000062%); highest among the groups gnomAD compares: African/African-American, 0.0013%; no homozygotes.

Submission:

Ambry Genetics
Classification: Uncertain significance. Last evaluated: 2022-05-16. Review status: criteria provided, single submitter. Criteria: Ambry Variant Classification Scheme 2023. Collection method: clinical testing. Allele origin: germline.
Comment: The p.R1644K variant (also known as c.4931G>A), located in coding exon 16 of the POLQ gene, results from a G to A substitution at nucleotide position 4931. The arginine at codon 1644 is replaced by lysine, an amino acid with highly similar properties. This amino acid position is conserved. In addition, this alteration is predicted to be tolerated by in silico analysis. Since supporting evidence is limited at this time, the clinical significance of this alteration remains unclear.

NM_199420.4(POLQ):c.4931G>A (p.Arg1644Lys)

Gene: POLQ (DNA polymerase theta; minus strand). Cytogenetic location: 3q13.33.
Variant type: single nucleotide variant.
Coding change: c.4931G>A on transcript NM_199420.4 (MANE Select); coding-DNA position 4931, G replaced by A.
Protein change: p.Arg1644Lys; replaces arginine 1644 with lysine.
Molecular consequence: missense variant.
Genome position (GRCh38, 1-based): chr3:121,488,000, C>T on the plus strand (G>A on the coding strand, the complement: POLQ is on the minus strand). VCF-style: chr3-121488000-C-T. GRCh37 (hg19) VCF-style: chr3-121206847-C-T.
Other names: short protein forms R1644K.
Identifiers: ClinVar variation 1744206 (VCV001744206.2), dbSNP rs747368787, ClinGen allele CA354093129.
Genomic context (GRCh38, chr3:121,488,000, plus strand): 5'-TTTATAGTCATTGATTTTAGCTTTTCATTTTCTAGAGGACTGGATACTTTATCTAAAATC[C>T]TTTGCAGTCCTGGACTTAGATCAAATGATGCCCCTGACCATATGAATGAATGATTTTGCC-3'
Protein context (NP_955452.3, residues 1634-1654): ASFDLSPGLQ[Arg1644Lys]ILDKVSSPLE